The following is an entry in ClinVar:

NM_032638.5(GATA2):c.535A>G (p.Lys179Glu)

Gene: GATA2 (GATA binding protein 2; minus strand). Cytogenetic location: 3q21.3.
Variant type: single nucleotide variant.
Coding change: c.535A>G on transcript NM_032638.5 (MANE Select); coding-DNA position 535, A replaced by G.
Protein change: p.Lys179Glu; replaces lysine 179 with glutamic acid.
Molecular consequence: missense variant.
Genome position (GRCh38, 1-based): chr3:128,486,063, T>C on the plus strand (A>G on the coding strand, the complement: GATA2 is on the minus strand). VCF-style: chr3-128486063-T-C. GRCh37 (hg19) VCF-style: chr3-128204906-T-C.
Other names: c.535A>G, p.Lys179Glu (NM_001145661.2, NM_001145662.1); short protein forms K179E.
Identifiers: ClinVar variation 2926882 (VCV002926882.4), dbSNP rs1559987322, ClinGen allele CA354406568.
Genomic context (GRCh38, chr3:128,486,063, plus strand): 5'-CCGCGGAAGATGAGGCTGGAGACGCAGCCCCCGTGGTGCTAGGGTCAGGAGACACTTCTT[T>C]GGGTGGCGTGGGTGGGAAGCCGAAAAGGTGGGAGCCAGAGTGGGCTGCTGTAGGGGTGAG-3'
Protein context (NP_116027.2, residues 169-189): HLFGFPPTPP[Lys179Glu]EVSPDPSTTG

ClinVar aggregate classification (germline): Uncertain significance. Review status: criteria provided, multiple submitters, no conflicts (2 of 4 stars). 2 submissions from 2 submitters: Uncertain significance (2). Last evaluated 2024-12-08.

Conditions:
Deafness-lymphedema-leukemia syndrome. Also called: Lymphedema, primary, with myelodysplasia; Emberger syndrome. Identifiers: Orphanet 3226, MedGen C3279664, MONDO:0013540, OMIM 614038.
Monocytopenia with susceptibility to infections. Also called: MONOCYTOPENIA AND MYCOBACTERIAL INFECTION SYNDROME; MONOCYTOPENIA WITH SUSCEPTIBILITY TO MYCOBACTERIAL, FUNGAL, AND PAPILLOMAVIRUS INFECTIONS AND MYELODYSPLASIA; COMBINED IMMUNODEFICIENCY WITH SUSCEPTIBILITY TO MYCOBACTERIAL, VIRAL, AND FUNGAL INFECTIONS; Dendritic cell, monocyte, B lymphocyte, and natural killer lymphocyte deficiency; GATA2 DEFICIENCY; IMMUNODEFICIENCY 21. Identifiers: Orphanet 228423, MedGen C3280030, MONDO:0013607, OMIM 614172.
Inborn genetic diseases. Identifiers: MedGen C0950123, MeSH D030342.

Submissions (2):

Ambry Genetics
Classification: Uncertain significance for Inborn genetic diseases. Last evaluated: 2024-12-08. Review status: criteria provided, single submitter. Criteria: Ambry Variant Classification Scheme 2023. Collection method: clinical testing. Allele origin: germline.
Comment: The p.K179E variant (also known as c.535A>G), located in coding exon 2 of the GATA2 gene, results from an A to G substitution at nucleotide position 535. The lysine at codon 179 is replaced by glutamic acid, an amino acid with similar properties. This amino acid position is conserved. In addition, this alteration is predicted to be deleterious by in silico analysis. Based on the available evidence, the clinical significance of this variant remains unclear.

Labcorp Genetics (formerly Invitae), Labcorp
Classification: Uncertain significance for Monocytopenia with susceptibility to infections; Deafness-lymphedema-leukemia syndrome. Last evaluated: 2023-10-05. Review status: criteria provided, single submitter. Criteria: Invitae Variant Classification Sherloc (09022015). Collection method: clinical testing. Allele origin: germline.
Comment: This sequence change replaces lysine, which is basic and polar, with glutamic acid, which is acidic and polar, at codon 179 of the GATA2 protein (p.Lys179Glu). This variant is not present in population databases (gnomAD no frequency). This variant has not been reported in the literature in individuals affected with GATA2-related conditions. Advanced modeling of protein sequence and biophysical properties (such as structural, functional, and spatial information, amino acid conservation, physicochemical variation, residue mobility, and thermodynamic stability) has been performed at Invitae for this missense variant, however the output from this modeling did not meet the statistical confidence thresholds required to predict the impact of this variant on GATA2 protein function. In summary, the available evidence is currently insufficient to determine the role of this variant in disease. Therefore, it has been classified as a Variant of Uncertain Significance.